The following is an entry in ClinVar:

ClinVar aggregate classification (germline): Uncertain significance (0 of 4 stars; one submission).

Conditions:
PCNT-related disorder. Also called: PCNT-related condition.

Submission:

PreventionGenetics, part of Exact Sciences
Classification: Uncertain significance for PCNT-related condition. Last evaluated: 2023-10-24. Review status: no assertion criteria provided. Collection method: clinical testing. Allele origin: germline.
Comment: The PCNT c.107A>C variant is predicted to result in the amino acid substitution p.Lys36Thr. To our knowledge, this variant has not been reported in the literature or in a large population database, indicating this variant is rare. At this time, the clinical significance of this variant is uncertain due to the absence of conclusive functional and genetic evidence.

NM_006031.6(PCNT):c.107A>C (p.Lys36Thr)

Genes: PCNT (pericentrin; plus strand), LOC128092249 (uncharacterized LOC128092249; plus strand). Cytogenetic location: 21q22.3.
Variant type: single nucleotide variant.
Coding change: c.107A>C on transcript NM_006031.6 (MANE Select); coding-DNA position 107, A replaced by C.
Protein change: p.Lys36Thr; replaces lysine 36 with threonine.
Molecular consequence: missense variant. On other transcripts: 5 prime UTR variant (1).
Genome position (GRCh38, 1-based): chr21:46,326,429, A>C. VCF-style: chr21-46326429-A-C. GRCh37 (hg19) VCF-style: chr21-47746343-A-C.
Other names: c.142A>C, p.Lys48Gln (NM_001414902.1); c.-248A>C (NM_001315529.2); short protein forms K36T, K48Q.
Identifiers: ClinVar variation 3349620 (VCV003349620.1).